The following is an entry in ClinVar:

ClinVar aggregate classification (germline): Uncertain significance. Review status: criteria provided, multiple submitters, no conflicts (2 of 4 stars). 10 submissions from 10 submitters: Uncertain significance (9). 1 of the submissions does not count toward it. Last evaluated 2026-04-01.

Conditions:
Aortic aneurysm, familial thoracic 7 (AAT7). Also called: AORTIC DISSECTION, FAMILIAL, WITH OR WITHOUT AORTIC ANEURYSM. Identifiers: MedGen C3151077, MONDO:0013418, OMIM 613780.
Megacystis-microcolon-intestinal hypoperistalsis syndrome 1. Identifiers: MedGen C5542316, MONDO:0100354, OMIM 249210.
Atrial septal defect (ASD). Also called: Interatrial communication; Defect in the atrial septum. Identifiers: Orphanet 1478, MedGen C0018817, MONDO:0006664, HP:0001631.
Familial thoracic aortic aneurysm and aortic dissection (TAAD). Also called: Thoracic aortic aneurysms and dissections. Identifiers: Orphanet 91387, MedGen C4707243, MONDO:0019625.

Allele frequency attached by ClinVar (database versions not stated): ESP Exome Variant Server 0.00008; TOPMed 0.00010.
gnomAD v4.1: 396 of 1,601,306 alleles (0.025%); highest among the groups gnomAD compares: Non-Finnish European, 0.03%; no homozygotes.

Submissions (10):

CeGaT Center for Human Genetics Tuebingen
Classification: Uncertain significance. Last evaluated: 2026-04-01. Review status: criteria provided, single submitter. Criteria: CeGaT Center For Human Genetics Tuebingen Variant Classification Criteria Version 2. Collection method: clinical testing. Allele origin: germline. Affected: yes. Observed: 1 variant allele.
Comment: MYLK: PM2, BP4

Ambry Genetics
Classification: Uncertain significance for Familial thoracic aortic aneurysm and aortic dissection. Last evaluated: 2026-02-17. Review status: criteria provided, single submitter. Criteria: Ambry Variant Classification Scheme 2023. Collection method: clinical testing. Allele origin: germline.
Comment: The c.3637G>A (p.V1213M) alteration is located in exon 20 (coding exon 17) of the MYLK gene. This alteration results from a G to A substitution at nucleotide position 3637, causing the valine (V) at amino acid position 1213 to be replaced by a methionine (M). Based on data from gnomAD, the A allele has an overall frequency of 0.01% (27/261112) total alleles studied. The highest observed frequency was 0.022% (5/22998) of African alleles. Based on insufficient or conflicting evidence, the clinical significance of this alteration remains unclear.

Labcorp Genetics (formerly Invitae), Labcorp
Classification: Uncertain significance for Aortic aneurysm, familial thoracic 7. Last evaluated: 2026-01-02. Review status: criteria provided, single submitter. Criteria: Invitae Variant Classification Sherloc (09022015). Collection method: clinical testing. Allele origin: germline.
Comment: This sequence change replaces valine, which is neutral and non-polar, with methionine, which is neutral and non-polar, at codon 1213 of the MYLK protein (p.Val1213Met). This variant is present in population databases (rs368390254, gnomAD 0.02%). This missense change has been observed in individual(s) with thoracic aortic aneurysm or dissection (PMID: 21055718, 29543232). ClinVar contains an entry for this variant (Variation ID: 403212). Invitae Evidence Modeling of protein sequence and biophysical properties (such as structural, functional, and spatial information, amino acid conservation, physicochemical variation, residue mobility, and thermodynamic stability) indicates that this missense variant is not expected to disrupt MYLK protein function with a negative predictive value of 80%. In summary, the available evidence is currently insufficient to determine the role of this variant in disease. Therefore, it has been classified as a Variant of Uncertain Significance.

GeneDx
Classification: Uncertain significance. Last evaluated: 2024-07-09. Review status: criteria provided, single submitter. Criteria: GeneDx Variant Classification Process June 2021. Collection method: clinical testing. Allele origin: germline. Affected: yes.
Comment: Has been reported in association with TAAD, though no segregation data are described (PMID: 29543232, 21055718); In silico analysis indicates that this missense variant does not alter protein structure/function; This variant is associated with the following publications: (PMID: 29543232, 21055718, 21231930, 29544503)

Women's Health and Genetics/Laboratory Corporation of America, LabCorp
Classification: Uncertain significance. Last evaluated: 2023-02-17. Review status: criteria provided, single submitter. Criteria: LabCorp Variant Classification Summary - May 2015. Collection method: clinical testing. Allele origin: germline.
Comment: Variant summary: MYLK c.3637G>A (p.Val1213Met) results in a conservative amino acid change in the encoded protein sequence. Four of four in-silico tools predict a benign effect of the variant on protein function. The variant allele was found at a frequency of 0.0001 in 230104 control chromosomes (gnomAD and publication data). The observed variant frequency is approximately 42 fold of the estimated maximal expected allele frequency for a pathogenic variant in MYLK causing Aortopathy phenotype (2.5e-06), strongly suggesting that the variant is benign. However, this observance needs to be cautiously considered due to the possibility of the MYLK pseudogene being captured. c.3637G>A has been reported in the literature in individuals affected with thoracic aortic aneurysm/aortic dissection (Wang_2010, Weerakkody_2018). These reports do not provide unequivocal conclusions about association of the variant with Aortopathy. To our knowledge, no experimental evidence demonstrating an impact on protein function has been reported. Eight ClinVar submitters (evaluation after 2014) cite this variant as uncertain significance. Based on the evidence outlined above, the variant was classified as VUS-possibly benign.

Fulgent Genetics
Classification: Uncertain significance for Megacystis-microcolon-intestinal hypoperistalsis syndrome 1; Aortic aneurysm, familial thoracic 7. Last evaluated: 2021-08-27. Review status: criteria provided, single submitter. Criteria: ACMG Guidelines, 2015. Collection method: clinical testing. Allele origin: unknown.

ARUP Laboratories, Molecular Genetics and Genomics, ARUP Laboratories
Classification: Uncertain significance. Last evaluated: 2018-02-13. Review status: criteria provided, single submitter. Criteria: ARUP Molecular Germline Variant Investigation Process. Collection method: clinical testing. Allele origin: germline.
Comment: The MYLK c.3637G>A; p.Val1213Met variant (rs368390254) has been reported in a single family with thoracic aortic aneurysms or aortic dissections (TAAD), but insufficient segregation data was available to determine whether or not the variant is associated with aortic disease (Wang 2010). This variant is listed in the genome Aggregation Database (gnomAD) with an overall population frequency of 0.009% (identified on 23 out of 255,410 chromosomes) and is classified as a variant of unknown significance in ClinVar (ID: 403212). The valine at position 1213 is weakly conserved, considering 12 species, and a methionine is found in this position in several species, suggesting this variant is evolutionarily tolerated. Computational analyses of the effects of the p.Val1213Met variant on protein structure and function do not predict a deleterious effect (SIFT: tolerated, PolyPhen-2: benign). Based on the available information, the clinical significance of the p.Val1213Met variant cannot be determined with certainty.

Illumina Laboratory Services, Illumina
Classification: Uncertain significance for Aortic aneurysm, familial thoracic 7. Last evaluated: 2017-04-27. Review status: criteria provided, single submitter. Criteria: ICSL Variant Classification Criteria 13 December 2019. Collection method: clinical testing. Allele origin: germline.

Laboratory for Molecular Medicine, Mass General Brigham Personalized Medicine
Classification: Uncertain significance. Last evaluated: 2016-04-25. Review status: criteria provided, single submitter. Criteria: LMM Criteria. Collection method: clinical testing. Allele origin: germline.
Comment: Variant identified in a genome or exome case(s) and assessed due to predicted null impact of the variant or pathogenic assertions in the literature or databases. Disclaimer: This variant has not undergone full assessment. The following are preliminary notes: 1 proband, no segs in HGMD; ExAC: 5/27770 European chromosomes

Clinical Molecular Genetics Laboratory, Johns Hopkins All Children's Hospital
Classification: Uncertain significance for Atrial septal defect. Last evaluated: 2015-11-11. Review status: no assertion criteria provided. Collection method: clinical testing. Allele origin: germline. Affected: yes. Not counted in ClinVar's aggregate classification.

Literature cited by the submitters: PubMed 21055718 (cited by Labcorp Genetics (formerly Invitae), Labcorp and Women's Health and Genetics/Laboratory Corporation of America, LabCorp); PubMed 29543232 (cited by Labcorp Genetics (formerly Invitae), Labcorp and Women's Health and Genetics/Laboratory Corporation of America, LabCorp); PubMed 29961567 (cited by Women's Health and Genetics/Laboratory Corporation of America, LabCorp); PubMed 29544503 (cited by Women's Health and Genetics/Laboratory Corporation of America, LabCorp).

NM_053025.4(MYLK):c.3637G>A (p.Val1213Met)

Gene: MYLK (myosin light chain kinase; minus strand). Cytogenetic location: 3q21.1.
Variant type: single nucleotide variant.
Coding change: c.3637G>A on transcript NM_053025.4 (MANE Select); coding-DNA position 3637, G replaced by A.
Protein change: p.Val1213Met; replaces valine 1213 with methionine.
Molecular consequence: missense variant.
Genome position (GRCh38, 1-based): chr3:123,682,239, C>T on the plus strand (G>A on the coding strand, the complement: MYLK is on the minus strand). VCF-style: chr3-123682239-C-T. GRCh37 (hg19) VCF-style: chr3-123401086-C-T.
Other names: c.3109G>A, p.Val1037Met (NM_001321309.2); c.3430G>A, p.Val1144Met (NM_053026.4, NM_053028.4); c.3637G>A, p.Val1213Met (NM_053027.4); short protein forms V1213M, V1144M, V1037M.
Identifiers: ClinVar variation 403212 (VCV000403212.34), dbSNP rs368390254, ClinGen allele CA069908.